The following is an entry in ClinVar:

NM_001277115.2(DNAH11):c.3751T>G (p.Cys1251Gly)

Gene: DNAH11 (dynein axonemal heavy chain 11; plus strand). Cytogenetic location: 7p15.3.
Variant type: single nucleotide variant.
Coding change: c.3751T>G on transcript NM_001277115.2 (MANE Select); coding-DNA position 3751, T replaced by G.
Protein change: p.Cys1251Gly; replaces cysteine 1251 with glycine.
Molecular consequence: missense variant.
Genome position (GRCh38, 1-based): chr7:21,606,528, T>G. VCF-style: chr7-21606528-T-G. GRCh37 (hg19) VCF-style: chr7-21646146-T-G.
Other names: short protein forms C1251G.
Identifiers: ClinVar variation 834899 (VCV000834899.9), dbSNP rs765674180, ClinGen allele CA4179728.

ClinVar aggregate classification (germline): Conflicting classifications of pathogenicity. Review status: criteria provided, conflicting classifications (1 of 4 stars). 2 submissions from 2 submitters: Uncertain significance (1); Benign (1). Last evaluated 2024-12-26.

Conditions:
Primary ciliary dyskinesia. Also called: Ciliary dyskinesia. Identifiers: Orphanet 244, MedGen C0008780, MONDO:0016575, HP:0012265.

Allele frequency attached by ClinVar (database versions not stated): ExAC 0.00001; gnomAD exomes 0.00002 and 0.00003; TOPMed 0.00003.
gnomAD v4.1: 57 of 1,609,578 alleles (0.0035%); highest among the groups gnomAD compares: Non-Finnish European, 0.004%; no homozygotes.

Submissions (2):

GeneDx
Classification: Uncertain significance. Last evaluated: 2024-12-26. Review status: criteria provided, single submitter. Criteria: GeneDx Variant Classification Process June 2021. Collection method: clinical testing. Allele origin: germline. Affected: yes.
Comment: In silico analysis supports that this missense variant has a deleterious effect on protein structure/function; In silico analysis supports a deleterious effect on splicing; Has not been previously published as pathogenic or benign to our knowledge

Labcorp Genetics (formerly Invitae), Labcorp
Classification: Benign for Primary ciliary dyskinesia. Last evaluated: 2023-10-06. Review status: criteria provided, single submitter. Criteria: Invitae Variant Classification Sherloc (09022015). Collection method: clinical testing. Allele origin: germline.